The following is an entry in ClinVar:

ClinVar aggregate classification (germline): Uncertain significance (1 of 4 stars; one submission).

Conditions:
Gastrointestinal stromal tumor. Also called: Gastrointestinal stromal tumor, somatic; Gastrointestinal stroma tumor. Identifiers: Orphanet 44890, MedGen C0238198, MeSH D046152, MONDO:0011719, OMIM 606764, HP:0100723.

Allele frequency attached by ClinVar (database versions not stated): gnomAD exomes below 0.00001.
gnomAD v4.1: 2 of 1,614,188 alleles (0.00012%); highest among the groups gnomAD compares: Non-Finnish European, 0.00017%; no homozygotes.

Submission:

Labcorp Genetics (formerly Invitae), Labcorp
Classification: Uncertain significance for Gastrointestinal stromal tumor. Last evaluated: 2024-10-21. Review status: criteria provided, single submitter. Criteria: Invitae Variant Classification Sherloc (09022015). Collection method: clinical testing. Allele origin: germline.
Comment: This sequence change replaces serine, which is neutral and polar, with asparagine, which is neutral and polar, at codon 53 of the PDGFRA protein (p.Ser53Asn). This variant is present in population databases (no rsID available, gnomAD 0.0009%). This variant has not been reported in the literature in individuals affected with PDGFRA-related conditions. ClinVar contains an entry for this variant (Variation ID: 947610). Invitae Evidence Modeling of protein sequence and biophysical properties (such as structural, functional, and spatial information, amino acid conservation, physicochemical variation, residue mobility, and thermodynamic stability) indicates that this missense variant is not expected to disrupt PDGFRA protein function with a negative predictive value of 80%. In summary, the available evidence is currently insufficient to determine the role of this variant in disease. Therefore, it has been classified as a Variant of Uncertain Significance.

NM_006206.6(PDGFRA):c.158G>A (p.Ser53Asn)

Gene: PDGFRA (platelet derived growth factor receptor alpha; plus strand). Cytogenetic location: 4q12.
Variant type: single nucleotide variant.
Coding change: c.158G>A on transcript NM_006206.6 (MANE Select); coding-DNA position 158, G replaced by A.
Protein change: p.Ser53Asn; replaces serine 53 with asparagine.
Molecular consequence: missense variant.
Genome position (GRCh38, 1-based): chr4:54,261,203, G>A. VCF-style: chr4-54261203-G-A. GRCh37 (hg19) VCF-style: chr4-55127370-G-A.
Other names: c.158G>A, p.Ser53Asn (NM_001347827.2, NM_001347829.2); c.233G>A, p.Ser78Asn (NM_001347828.2); c.197G>A, p.Ser66Asn (NM_001347830.2); short protein forms S66N, S78N, S53N.
Identifiers: ClinVar variation 947610 (VCV000947610.10), dbSNP rs1190592187, ClinGen allele CA356888372.